The following is an entry in ClinVar:

ClinVar aggregate classification (germline): Uncertain significance (1 of 4 stars; one submission).

Conditions:
Hepatic methionine adenosyltransferase deficiency. Also called: Methionine adenosyltransferase deficiency; Isolated Persistent Hypermethioninemia; MAT I/III DEFICIENCY; Deficiency of methionine adenosyltransferase. Identifiers: Orphanet 168598, MedGen C0268621, MeSH C564683, MONDO:0009607, OMIM 250850.

Submission:

Labcorp Genetics (formerly Invitae), Labcorp
Classification: Uncertain significance for Hepatic methionine adenosyltransferase deficiency. Last evaluated: 2026-01-29. Review status: criteria provided, single submitter. Criteria: Invitae Variant Classification Sherloc (09022015). Collection method: clinical testing. Allele origin: germline.
Comment: This sequence change replaces tyrosine, which is neutral and polar, with proline, which is neutral and non-polar, at codon 271 of the MAT1A protein (p.Tyr271Pro). Information on the frequency of this variant in the gnomAD database is not available, as this variant may be reported differently in the database. This variant has not been reported in the literature in individuals affected with MAT1A-related conditions. An algorithm developed to predict the effect of missense changes on protein structure and function (PolyPhen-2) suggests that this variant is likely to be disruptive. In summary, the available evidence is currently insufficient to determine the role of this variant in disease. Therefore, it has been classified as a Variant of Uncertain Significance.

NM_000429.3(MAT1A):c.811_812delinsCC (p.Tyr271Pro)

Gene: MAT1A (methionine adenosyltransferase 1A; minus strand). Cytogenetic location: 10q22.3.
Variant type: Indel.
Coding change: c.811_812delinsCC on transcript NM_000429.3 (MANE Select); coding-DNA positions 811 to 812, TA replaced by CC.
Protein change: p.Tyr271Pro; replaces tyrosine 271 with proline.
Molecular consequence: missense variant.
Genome position (GRCh38, 1-based): chr10:80,275,156-80,275,157, TA replaced by GG on the plus strand (TA replaced by CC on the coding strand, the reverse complement: MAT1A is on the minus strand). VCF-style: chr10-80275156-TA-GG. GRCh37 (hg19) VCF-style: chr10-82034912-TA-GG.
Other names: short protein forms Y271P.
Identifiers: ClinVar variation 4736485 (VCV004736485.1).